The following is an entry in ClinVar:

ClinVar aggregate classification (germline): Conflicting classifications of pathogenicity. Review status: criteria provided, conflicting classifications (1 of 4 stars). 5 submissions from 5 submitters: Likely pathogenic (2); Uncertain significance (3). Last evaluated 2024-11-19.

Conditions:
Mitochondrial complex I deficiency, nuclear type 4. Also called: Mitochondrial complex 1 deficiency, nuclear type 4. Identifiers: MedGen C4748753, MONDO:0032609, OMIM 618225.
Mitochondrial complex I deficiency. Also called: NADH:Q(1) OXIDOREDUCTASE DEFICIENCY. Identifiers: Orphanet 2609, MedGen C1838979, MeSH C537475, MONDO:0100133.

Allele frequency attached by ClinVar (database versions not stated): gnomAD 0.00001; TOPMed 0.00001; ExAC 0.00002; gnomAD exomes 0.00002; 1000 Genomes Project 30x 0.00016; 1000 Genomes Project 0.00020.
gnomAD v4.1: 25 of 1,614,222 alleles (0.0015%); highest among the groups gnomAD compares: Non-Finnish European, 0.0019%; no homozygotes.

Submissions (5):

Labcorp Genetics (formerly Invitae), Labcorp
Classification: Likely pathogenic. Last evaluated: 2024-11-19. Review status: criteria provided, single submitter. Criteria: Invitae Variant Classification Sherloc (09022015). Collection method: clinical testing. Allele origin: germline.
Comment: This sequence change replaces valine, which is neutral and non-polar, with methionine, which is neutral and non-polar, at codon 245 of the NDUFV1 protein (p.Val245Met). This variant is present in population databases (rs200829846, gnomAD 0.004%). This missense change has been observed in individuals with clinical features of NDUFV1-related conditions (PMID: 27290639, 32020600). ClinVar contains an entry for this variant (Variation ID: 2137167). Invitae Evidence Modeling of protein sequence and biophysical properties (such as structural, functional, and spatial information, amino acid conservation, physicochemical variation, residue mobility, and thermodynamic stability) indicates that this missense variant is expected to disrupt NDUFV1 protein function with a positive predictive value of 95%. Experimental studies have shown that this missense change affects NDUFV1 function (PMID: 36462614). In summary, the currently available evidence indicates that the variant is pathogenic, but additional data are needed to prove that conclusively. Therefore, this variant has been classified as Likely Pathogenic.

GeneDx
Classification: Uncertain significance. Last evaluated: 2023-11-07. Review status: criteria provided, single submitter. Criteria: GeneDx Variant Classification Process June 2021. Collection method: clinical testing. Allele origin: germline. Affected: yes.
Comment: Not observed at significant frequency in large population cohorts (gnomAD); In silico analysis supports that this missense variant has a deleterious effect on protein structure/function; This variant is associated with the following publications: (PMID: 36462614, 32020600, 27290639)

Women's Health and Genetics/Laboratory Corporation of America, LabCorp
Classification: Uncertain significance. Last evaluated: 2023-06-30. Review status: criteria provided, single submitter. Criteria: LabCorp Variant Classification Summary - May 2015. Collection method: clinical testing. Allele origin: germline.
Comment: Variant summary: NDUFV1 c.733G>A (p.Val245Met) results in a conservative amino acid change located in the NADH-ubiquinone oxidoreductase 51kDa subunit, FMN-binding domain (IPR011538) of the encoded protein sequence. Four of five in-silico tools predict a damaging effect of the variant on protein function. The variant allele was found at a frequency of 1.2e-05 in 251468 control chromosomes (gnomAD). c.733G>A has been reported in the literature in individuals affected with Leigh Syndrome (examples: Lee_2020 and Pronicka_2016). These data indicate that the variant may be associated with disease. At least one publication reports experimental evidence evaluating an impact on protein function. The most pronounced variant effect in E. coli (NuoF_V219M) results in approximately 50-51% of normal activity. The following publications have been ascertained in the context of this evaluation (PMID: 36462614, 32020600, 27290639). One submitter has cited clinical-significance assessments for this variant to ClinVar after 2014 and has classified the variant as likely pathogenic. Based on the evidence outlined above, the variant was classified as VUS-possibly pathogenic.

Neuberg Centre For Genomic Medicine, NCGM
Classification: Uncertain significance for Mitochondrial complex I deficiency, nuclear type 4. Last evaluated: 2023-05-20. Review status: criteria provided, single submitter. Criteria: ACMG Guidelines, 2015. Collection method: clinical testing. Allele origin: germline. Inheritance: Autosomal recessive inheritance. Affected: yes.
Comment: The missense c.733G>A (p.Val245Met) variant in the NDUFV1 gene has been reported previously in compound heterozygous state in an individual affected with Mitochondrial disorders (Pronicka et al., 2016; Lee et al., 2020). The variant is absent in gnomAD Exomes. This variant has been reported to the ClinVar database as Likely Pathogenic. However, study on multiple affected individuals and the functional impact of the variant is not available. The amino acid Valine at position 245 is changed to a Methionine changing protein sequence and it might alter its composition and physico-chemical properties. Multiple lines of computational evidence (Polyphen - Damaging, SIFT - Damaging and MutationTaster - Disease causing) predict a damaging effect on protein structure and function for this variant. The amino acid change p.Val245Met in NDUFV1 is predicted as conserved by GERP++ and PhyloP across 100 vertebrates. For these reasons, this variant has been classified as Uncertain Significance. Classification of this variant is likely to change if this variant is proved to be in trans.

Rady Children's Institute for Genomic Medicine, Rady Children's Hospital San Diego
Classification: Likely pathogenic for MITOCHONDRIAL COMPLEX I DEFICIENCY. Review status: criteria provided, single submitter. Criteria: ACMG Guidelines, 2015. Collection method: clinical testing. Allele origin: germline. Affected: yes.
Comment: This variant has been previously reported as a compound heterozygous change in patients with Mitochondrial complex I deficiency (PMID: 27290639, 32020600). Muscle biopsy of a patient with the p.Val245Met variant in the compound heterozygous state showed isolated Complex I deficiency (PMID: 27290639). The c.733G>A (p.Val245Met) variant is present in the heterozygous state in the gnomAD population database at a frequency of 0.001 % (4/282856) and thus is presumed to be rare. The c.733G>A (p.Val245Met) variant affects a highly conserved amino acid and is predicted by multiple in silico tools to have a deleterious effect on protein function. Based on the available evidence, the c.733G>A (p.Val245Met) variant is classified as Likely Pathogenic.

Literature cited by the submitters: PubMed 27290639 (cited by Labcorp Genetics (formerly Invitae), Labcorp and Women's Health and Genetics/Laboratory Corporation of America, LabCorp); PubMed 32020600 (cited by Labcorp Genetics (formerly Invitae), Labcorp and Women's Health and Genetics/Laboratory Corporation of America, LabCorp); PubMed 36462614 (cited by Labcorp Genetics (formerly Invitae), Labcorp and Women's Health and Genetics/Laboratory Corporation of America, LabCorp).

NM_007103.4(NDUFV1):c.733G>A (p.Val245Met)

Gene: NDUFV1 (NADH:ubiquinone oxidoreductase core subunit V1; plus strand). Cytogenetic location: 11q13.2.
Variant type: single nucleotide variant.
Coding change: c.733G>A on transcript NM_007103.4 (MANE Select); coding-DNA position 733, G replaced by A.
Protein change: p.Val245Met; replaces valine 245 with methionine.
Molecular consequence: missense variant.
Genome position (GRCh38, 1-based): chr11:67,611,027, G>A. VCF-style: chr11-67611027-G-A. GRCh37 (hg19) VCF-style: chr11-67378498-G-A.
Other names: c.706G>A, p.Val236Met (NM_001166102.2); c.733G>A (NM_007103.3); short protein forms V236M, V245M.
Identifiers: ClinVar variation 2137167 (VCV002137167.8), dbSNP rs200829846, ClinGen allele CA6143275.